The following is an entry in ClinVar:

ClinVar aggregate classification (germline): Likely benign (1 of 4 stars; one submission).

Conditions:
Familial cancer of breast. Also called: Hereditary breast cancer; BREAST CANCER, FAMILIAL; hereditary breast carcinoma. Identifiers: Orphanet 227535, MedGen C0346153, MONDO:0016419, OMIM 114480. Disease mechanism: loss of function.

gnomAD v4.1: 1 of 1,520,174 alleles (0.000066%); highest among the groups gnomAD compares: South Asian, 0.0011%; no homozygotes.

Submission:

Myriad Genetics, Inc.
Classification: Likely benign for Familial cancer of breast. Last evaluated: 2024-10-04. Review status: criteria provided, single submitter. Criteria: Myriad Autosomal Dominant, Autosomal Recessive and X-Linked Classification Criteria (2023). Collection method: clinical testing. Allele origin: unknown.
Comment: This variant is considered likely benign. This variant is intronic and is not expected to impact mRNA splicing.

NM_007194.4(CHEK2):c.1009-18G>T

Gene: CHEK2 (checkpoint kinase 2; minus strand). Cytogenetic location: 22q12.1.
Variant type: single nucleotide variant.
Coding change: c.1009-18G>T on transcript NM_007194.4 (MANE Select); 18 bases into the intron before coding-DNA position 1009, G replaced by T.
Molecular consequence: intron variant.
Genome position (GRCh38, 1-based): chr22:28,697,005, C>A on the plus strand (G>T on the coding strand, the complement: CHEK2 is on the minus strand). VCF-style: chr22-28697005-C-A. GRCh37 (hg19) VCF-style: chr22-29092993-C-A.
Other names: c.346-18G>T (NM_001437942.1, NM_001257387.3); c.808-18G>T (NM_001349956.3); c.1009-1132G>T (NM_145862.3); c.1102-1132G>T (NM_001438295.1); c.1102-18G>T (NM_001438293.1); c.1138-1132G>T (NM_001438294.1); c.1138-18G>T (NM_001005735.3).
Identifiers: ClinVar variation 3773603 (VCV003773603.1).
Genomic context (GRCh38, chr22:28,697,005, plus strand): 5'-CTGGCTTTAAGTCACGGTGTATAATACCGTTTTCATGAAGGTACTACACAGAAAGGCAGG[C>A]ATGACCCTCAGATTCATGCAGTAGATACTTAAGTAGAATCAAAGTTACCAACACACACAT-3'